The following is an entry in ClinVar:

NM_016599.5(MYOZ2):c.255T>G (p.Ile85Met)

Gene: MYOZ2 (myozenin 2; plus strand). Cytogenetic location: 4q26.
Variant type: single nucleotide variant.
Coding change: c.255T>G on transcript NM_016599.5 (MANE Select); coding-DNA position 255, T replaced by G.
Protein change: p.Ile85Met; replaces isoleucine 85 with methionine.
Molecular consequence: missense variant.
Genome position (GRCh38, 1-based): chr4:119,158,030, T>G. VCF-style: chr4-119158030-T-G. GRCh37 (hg19) VCF-style: chr4-120079185-T-G.
Other names: short protein forms I85M.
Identifiers: ClinVar variation 1793100 (VCV001793100.8), dbSNP rs759342600, ClinGen allele CA3058584.

ClinVar aggregate classification (germline): Conflicting classifications of pathogenicity. Review status: criteria provided, conflicting classifications (1 of 4 stars). 3 submissions from 3 submitters: Uncertain significance (2); Likely benign (1). Last evaluated 2026-08-18.

Conditions:
Cardiovascular phenotype. Identifiers: MedGen CN230736.
Hypertrophic cardiomyopathy. Also called: HYPERTROPHIC MYOCARDIOPATHY. Identifiers: Orphanet 217569, MedGen C0007194, MeSH D002312, MONDO:0005045, HP:0001639.

Allele frequency attached by ClinVar (database versions not stated): TOPMed 0.00003; ExAC 0.00002; gnomAD 0.00001; gnomAD exomes below 0.00001.
gnomAD v4.1: 3 of 1,613,926 alleles (0.00019%); highest among the groups gnomAD compares: African/African-American, 0.004%; no homozygotes.

Submissions (3):

Ambry Genetics
Classification: Likely benign for Cardiovascular phenotype. Last evaluated: 2026-08-18. Review status: criteria provided, single submitter. Criteria: Ambry Variant Classification Scheme 2023. Collection method: clinical testing. Allele origin: germline.

Women's Health and Genetics/Laboratory Corporation of America, LabCorp
Classification: Uncertain significance. Last evaluated: 2025-10-05. Review status: criteria provided, single submitter. Criteria: LabCorp Variant Classification Summary - May 2015. Collection method: clinical testing. Allele origin: germline.

Labcorp Genetics (formerly Invitae), Labcorp
Classification: Uncertain significance for Hypertrophic cardiomyopathy. Last evaluated: 2023-05-01. Review status: criteria provided, single submitter. Criteria: Invitae Variant Classification Sherloc (09022015). Collection method: clinical testing. Allele origin: germline.
Comment: ClinVar contains an entry for this variant (Variation ID: 1793100). Advanced modeling of protein sequence and biophysical properties (such as structural, functional, and spatial information, amino acid conservation, physicochemical variation, residue mobility, and thermodynamic stability) performed at Invitae indicates that this missense variant is not expected to disrupt MYOZ2 protein function. In summary, the available evidence is currently insufficient to determine the role of this variant in disease. Therefore, it has been classified as a Variant of Uncertain Significance. This variant has not been reported in the literature in individuals affected with MYOZ2-related conditions. This sequence change replaces isoleucine, which is neutral and non-polar, with methionine, which is neutral and non-polar, at codon 85 of the MYOZ2 protein (p.Ile85Met). This variant is present in population databases (rs759342600, gnomAD 0.01%).